The following is an entry in ClinVar:

ClinVar aggregate classification (germline): Conflicting classifications of pathogenicity. Review status: criteria provided, conflicting classifications (1 of 4 stars). 3 submissions from 3 submitters: Likely pathogenic (1); Uncertain significance (2). Last evaluated 2025-06-22.

Conditions:
MERTK-related disorder. Also called: MERTK-related condition.
Inborn genetic diseases. Identifiers: MedGen C0950123, MeSH D030342.

gnomAD v4.1: 4 of 1,613,866 alleles (0.00025%); highest among the groups gnomAD compares: Non-Finnish European, 0.00034%; no homozygotes.

Submissions (3):

Ambry Genetics
Classification: Uncertain significance for Inborn genetic diseases. Last evaluated: 2025-06-22. Review status: criteria provided, single submitter. Criteria: Ambry Variant Classification Scheme 2023. Collection method: clinical testing. Allele origin: germline.

Labcorp Genetics (formerly Invitae), Labcorp
Classification: Uncertain significance. Last evaluated: 2024-11-04. Review status: criteria provided, single submitter. Criteria: Invitae Variant Classification Sherloc (09022015). Collection method: clinical testing. Allele origin: germline.
Comment: This sequence change replaces histidine, which is basic and polar, with proline, which is neutral and non-polar, at codon 680 of the MERTK protein (p.His680Pro). This variant is not present in population databases (gnomAD no frequency). This missense change has been observed in individual(s) with clinical features of retinitis pigmentosa (internal data). ClinVar contains an entry for this variant (Variation ID: 866314). Invitae Evidence Modeling of protein sequence and biophysical properties (such as structural, functional, and spatial information, amino acid conservation, physicochemical variation, residue mobility, and thermodynamic stability) indicates that this missense variant is expected to disrupt MERTK protein function with a positive predictive value of 80%. In summary, the available evidence is currently insufficient to determine the role of this variant in disease. Therefore, it has been classified as a Variant of Uncertain Significance.

Blueprint Genetics
Classification: Likely pathogenic for MERTK-related disorders. Last evaluated: 2019-03-12. Review status: criteria provided, single submitter. Criteria: ACMG Guidelines, 2015. Collection method: clinical testing. Allele origin: germline. Affected: yes. Observed: 2 variant alleles.

NM_006343.3(MERTK):c.2039A>C (p.His680Pro)

Gene: MERTK (MER proto-oncogene, tyrosine kinase; plus strand). Cytogenetic location: 2q13.
Variant type: single nucleotide variant.
Coding change: c.2039A>C on transcript NM_006343.3 (MANE Select); coding-DNA position 2039, A replaced by C.
Protein change: p.His680Pro; replaces histidine 680 with proline.
Molecular consequence: missense variant.
Genome position (GRCh38, 1-based): chr2:112,010,026, A>C. VCF-style: chr2-112010026-A-C. GRCh37 (hg19) VCF-style: chr2-112767603-A-C.
Other names: short protein forms H680P.
Identifiers: ClinVar variation 866314 (VCV000866314.11), dbSNP rs749028235, ClinGen allele CA53583435.
Genomic context (GRCh38, chr2:112,010,026, plus strand): 5'-GCTCTCAAGGCATCCCAAAGCCCATGGTAATTTTACCCTTCATGAAATACGGGGACCTGC[A>C]TACTTACTTACTTTATTCCCGATTGGAGACAGGACCAAAGGTAATGATCTCCTTGTGTTA-3'
Protein context (NP_006334.2, residues 670-690): ILPFMKYGDL[His680Pro]TYLLYSRLET